The following is an entry in ClinVar:

ClinVar aggregate classification (germline): Uncertain significance (1 of 4 stars; one submission).

Conditions:
Hereditary cancer-predisposing syndrome. Also called: Neoplastic Syndromes, Hereditary; Tumor predisposition; Hereditary neoplastic syndrome; Hereditary Cancer Syndrome. Identifiers: Orphanet 140162, MedGen C0027672, MeSH D009386, MONDO:0015356.

Submission:

Ambry Genetics
Classification: Uncertain significance for Hereditary cancer-predisposing syndrome. Last evaluated: 2026-08-01. Review status: criteria provided, single submitter. Criteria: Ambry Variant Classification Scheme 2023. Collection method: clinical testing. Allele origin: germline.
Comment: The p.N267K variant (also known as c.801C>A), located in coding exon 8 of the SMARCE1 gene, results from a C to A substitution at nucleotide position 801. The asparagine at codon 267 is replaced by lysine, an amino acid with similar properties. This amino acid position is conserved. In addition, this alteration is predicted to be tolerated by in silico analysis. Based on the available evidence, the clinical significance of this variant remains unclear.

NM_003079.5(SMARCE1):c.801C>A (p.Asn267Lys)

Gene: SMARCE1 (SWI/SNF related BAF chromatin remodeling complex subunit E1; minus strand). Cytogenetic location: 17q21.2.
Variant type: single nucleotide variant.
Coding change: c.801C>A on transcript NM_003079.5 (MANE Select); coding-DNA position 801, C replaced by A.
Protein change: p.Asn267Lys; replaces asparagine 267 with lysine.
Molecular consequence: missense variant.
Genome position (GRCh38, 1-based): chr17:40,631,607, G>T on the plus strand (C>A on the coding strand, the complement: SMARCE1 is on the minus strand). VCF-style: chr17-40631607-G-T. GRCh37 (hg19) VCF-style: chr17-38787859-G-T.
Other names: short protein forms N267K.
Identifiers: ClinVar variation 5029973 (VCV005029973.1).